The following is an entry in ClinVar:

NM_004260.4(RECQL4):c.1558A>G (p.Ser520Gly)

Gene: RECQL4 (RecQ like helicase 4; minus strand). Cytogenetic location: 8q24.3.
Variant type: single nucleotide variant.
Coding change: c.1558A>G on transcript NM_004260.4 (MANE Select); coding-DNA position 1558, A replaced by G.
Protein change: p.Ser520Gly; replaces serine 520 with glycine.
Molecular consequence: missense variant.
Genome position (GRCh38, 1-based): chr8:144,514,998, T>C on the plus strand (A>G on the coding strand, the complement: RECQL4 is on the minus strand). VCF-style: chr8-144514998-T-C. GRCh37 (hg19) VCF-style: chr8-145740382-T-C.
Other names: short protein forms S520G.
Identifiers: ClinVar variation 861565 (VCV000861565.7), dbSNP rs1827943643, ClinGen allele CA372683777.

ClinVar aggregate classification (germline): Uncertain significance. Review status: criteria provided, multiple submitters, no conflicts (2 of 4 stars). 2 submissions from 2 submitters: Uncertain significance (2). Last evaluated 2025-08-07.

Conditions:
Inborn genetic diseases. Identifiers: MedGen C0950123, MeSH D030342.
Baller-Gerold syndrome (BGS). Also called: CRANIOSYNOSTOSIS WITH RADIAL DEFECTS. Identifiers: Orphanet 1225, MedGen C0265308, MONDO:0009039, OMIM 218600.

Submissions (2):

Labcorp Genetics (formerly Invitae), Labcorp
Classification: Uncertain significance for Baller-Gerold syndrome. Last evaluated: 2025-08-07. Review status: criteria provided, single submitter. Criteria: Invitae Variant Classification Sherloc (09022015). Collection method: clinical testing. Allele origin: germline.
Comment: This sequence change replaces serine, which is neutral and polar, with glycine, which is neutral and non-polar, at codon 520 of the RECQL4 protein (p.Ser520Gly). This variant is not present in population databases (gnomAD no frequency). This variant has not been reported in the literature in individuals affected with RECQL4-related conditions. ClinVar contains an entry for this variant (Variation ID: 861565). Invitae Evidence Modeling of protein sequence and biophysical properties (such as structural, functional, and spatial information, amino acid conservation, physicochemical variation, residue mobility, and thermodynamic stability) indicates that this missense variant is not expected to disrupt RECQL4 protein function with a negative predictive value of 80%. In summary, the available evidence is currently insufficient to determine the role of this variant in disease. Therefore, it has been classified as a Variant of Uncertain Significance.

Ambry Genetics
Classification: Uncertain significance for Inborn genetic diseases. Last evaluated: 2024-11-17. Review status: criteria provided, single submitter. Criteria: Ambry Variant Classification Scheme 2023. Collection method: clinical testing. Allele origin: germline.
Comment: The p.S520G variant (also known as c.1558A>G), located in coding exon 9 of the RECQL4 gene, results from an A to G substitution at nucleotide position 1558. The serine at codon 520 is replaced by glycine, an amino acid with similar properties. This amino acid position is conserved. In addition, this alteration is predicted to be tolerated by in silico analysis. Based on the available evidence, the clinical significance of this variant remains unclear.